The following is an entry in ClinVar:

NM_000424.4(KRT5):c.992G>A (p.Arg331His)

Gene: KRT5 (keratin 5; minus strand). Cytogenetic location: 12q13.13.
Variant type: single nucleotide variant.
Coding change: c.992G>A on transcript NM_000424.4 (MANE Select); coding-DNA position 992, G replaced by A.
Protein change: p.Arg331His; replaces arginine 331 with histidine.
Molecular consequence: missense variant.
Genome position (GRCh38, 1-based): chr12:52,517,690, C>T on the plus strand (G>A on the coding strand, the complement: KRT5 is on the minus strand). VCF-style: chr12-52517690-C-T. GRCh37 (hg19) VCF-style: chr12-52911474-C-T.
Other names: short protein forms R331H.
Identifiers: ClinVar variation 66299 (VCV000066299.11), dbSNP rs56729325, ClinGen allele CA216816.
Genomic context (GRCh38, chr12:52,517,690, plus strand): 5'-TTGGCAATCTCCTCATACTGGGCCTTGACCTCAGCGATGATGCTATCCAGGTCCAGGTTG[C>T]GGTTGTTGTCCATGGAGAGGACCACTGAGGTGTCAGAGACATGCGTCTGCATCTGGGACA-3'
Protein context (NP_000415.2, residues 321-341): TSVVLSMDNN[Arg331His]NLDLDSIIAE

ClinVar aggregate classification (germline): Pathogenic/Likely pathogenic. Review status: criteria provided, multiple submitters, no conflicts (2 of 4 stars). 7 submissions from 7 submitters: Pathogenic (2); Likely pathogenic (3). 2 of the submissions do not count toward it. Last evaluated 2024-11-13.

Conditions:
KRT5-related disorder. Also called: KRT5-related condition.
Epidermolysis bullosa simplex 2C, localized (EBS2C). Also called: Epidermolysis bullosa simplex 2C, Weber-Cockayne type. Identifiers: MedGen C5562011, MONDO:0030527, OMIM 619594.
Epidermolysis bullosa simplex 2B, generalized intermediate (EBS2B). Also called: Epidermolysis bullosa simplex 2B, Koebner type. Identifiers: MedGen C5562009, MONDO:0030525, OMIM 619588.
Epidermolysis bullosa. Identifiers: MedGen C0014527, MeSH D004820, MONDO:0006541.

Allele frequency attached by ClinVar (database versions not stated): gnomAD exomes below 0.00001; TOPMed 0.00001.
gnomAD v4.1: 4 of 1,614,182 alleles (0.00025%); highest among the groups gnomAD compares: East Asian, 0.0022%; no homozygotes.

Submissions (7):

Blueprint Genetics
Classification: Pathogenic for KRT5-related disorders. Last evaluated: 2024-11-13. Review status: criteria provided, single submitter. Criteria: ACMG Guidelines, 2015. Collection method: clinical testing. Allele origin: germline. Affected: yes. Observed: 5 variant alleles.

Clinical Genetics Laboratory, Skane University Hospital Lund
Classification: Likely pathogenic for Epidermolysis bullosa. Last evaluated: 2024-07-05. Review status: criteria provided, single submitter. Criteria: ACMG Guidelines, 2015. Collection method: clinical testing. Allele origin: germline. Affected: yes.
Comment: PS4, PM1

Labcorp Genetics (formerly Invitae), Labcorp
Classification: Pathogenic. Last evaluated: 2023-08-08. Review status: criteria provided, single submitter. Criteria: Invitae Variant Classification Sherloc (09022015). Collection method: clinical testing. Allele origin: germline.
Comment: This variant disrupts the p.Arg331 amino acid residue in KRT5. Other variant(s) that disrupt this residue have been observed in individuals with KRT5-related conditions (PMID: 16786515, 18704110, 20199538), which suggests that this may be a clinically significant amino acid residue. For these reasons, this variant has been classified as Pathogenic. Advanced modeling of protein sequence and biophysical properties (such as structural, functional, and spatial information, amino acid conservation, physicochemical variation, residue mobility, and thermodynamic stability) has been performed at Invitae for this missense variant, however the output from this modeling did not meet the statistical confidence thresholds required to predict the impact of this variant on KRT5 protein function. ClinVar contains an entry for this variant (Variation ID: 66299). This missense change has been observed in individuals with autosomal dominant epidermolysis bullosa (PMID: 16786515, 20060687, 21375516). This variant is not present in population databases (gnomAD no frequency). This sequence change replaces arginine, which is basic and polar, with histidine, which is basic and polar, at codon 331 of the KRT5 protein (p.Arg331His).

Clinical Genetics Service, Universitary Hospital 12 de Octubre
Classification: Likely pathogenic for Epidermolysis bullosa simplex 2B, generalized intermediate. Review status: criteria provided, single submitter. Criteria: ACMG Guidelines, 2015. Collection method: clinical testing. Allele origin: germline. Affected: yes.

Juno Genomics, Hangzhou Juno Genomics, Inc
Classification: Likely pathogenic for Epidermolysis bullosa simplex 2C, localized. Review status: criteria provided, single submitter. Criteria: ACMG Guidelines, 2015. Collection method: clinical testing. Allele origin: germline.
Comment: Absent from controls (or at extremely low frequency if recessive) in Genome Aggregation Database.;The prevalence of the variant in affected individuals is significantly increased compared to the prevalence in controls.;Patient's phenotype or family history is highly specific for a disease with a single genetic etiology.;Novel missense change at an amino acid residue where a different missense change determined to be pathogenic has been seen before.;Located in a mutational hot spot and/or critical and well-established functional domain without benign variation.

PreventionGenetics, part of Exact Sciences
Classification: Likely pathogenic for KRT5-related condition. Last evaluated: 2023-11-14. Review status: no assertion criteria provided. Collection method: clinical testing. Allele origin: germline. Not counted in ClinVar's aggregate classification.
Comment: The KRT5 c.992G>A variant is predicted to result in the amino acid substitution p.Arg331His. This variant has been reported in individuals with epidermolysis bullosa simplex (Müller et al. 2006. PubMed ID: 16786515; Bolling et al. 2011. PubMed ID: 21375516). An alternative nucleotide change affecting the same amino acid (c.991C>T, p.Arg331Cys) has also been reported in individuals with epidermolysis bullosa simplex (Rugg et al. 1993. PubMed ID: 7506097). This variant has not been reported in a large population database, indicating this variant is rare. This variant is interpreted as likely pathogenic.

Epithelial Biology;  Institute of Medical Biology, Singapore
No classification provided. Review status: no classification provided. Collection method: not provided. Allele origin: not provided. Not counted in ClinVar's aggregate classification.

Literature cited by the submitters: PubMed 16786515 (cited by Labcorp Genetics (formerly Invitae), Labcorp); PubMed 18704110 (cited by Labcorp Genetics (formerly Invitae), Labcorp); PubMed 20199538 (cited by Labcorp Genetics (formerly Invitae), Labcorp); PubMed 20060687 (cited by Labcorp Genetics (formerly Invitae), Labcorp); PubMed 21375516 (cited by Labcorp Genetics (formerly Invitae), Labcorp).